The following is an entry in ClinVar:

NM_003072.5(SMARCA4):c.3365A>G (p.Lys1122Arg)

Gene: SMARCA4 (SWI/SNF related BAF chromatin remodeling complex subunit ATPase 4; plus strand). Cytogenetic location: 19p13.2.
Variant type: single nucleotide variant.
Coding change: c.3365A>G on transcript NM_003072.5 (MANE Select); coding-DNA position 3365, A replaced by G.
Protein change: p.Lys1122Arg; replaces lysine 1122 with arginine.
Molecular consequence: missense variant. On other transcripts: non-coding transcript variant (1).
Genome position (GRCh38, 1-based): chr19:11,027,933, A>G. VCF-style: chr19-11027933-A-G. GRCh37 (hg19) VCF-style: chr19-11138609-A-G.
Other names: c.3365A>G, p.Lys1122Arg (NM_001128844.3, NM_001128845.2, NM_001128846.2 and 5 more transcripts); short protein forms K1122R.
Identifiers: ClinVar variation 1469806 (VCV001469806.8), dbSNP rs2146546121, ClinGen allele CA404061883.

ClinVar aggregate classification (germline): Uncertain significance (1 of 4 stars; one submission).

Conditions:
Rhabdoid tumor predisposition syndrome 2 (RTPS2). Identifiers: Orphanet 231108, Orphanet 69077, MedGen C2750074, MONDO:0013224, OMIM 613325.

Submission:

Labcorp Genetics (formerly Invitae), Labcorp
Classification: Uncertain significance for Rhabdoid tumor predisposition syndrome 2. Last evaluated: 2021-06-06. Review status: criteria provided, single submitter. Criteria: Invitae Variant Classification Sherloc (09022015). Collection method: clinical testing. Allele origin: germline.
Comment: Algorithms developed to predict the effect of sequence changes on RNA splicing suggest that this variant may create or strengthen a splice site, but this prediction has not been confirmed by published transcriptional studies. In summary, the available evidence is currently insufficient to determine the role of this variant in disease. Therefore, it has been classified as a Variant of Uncertain Significance. Algorithms developed to predict the effect of missense changes on protein structure and function are either unavailable or do not agree on the potential impact of this missense change (SIFT: "Deleterious"; PolyPhen-2: "Benign"; Align-GVGD: "Class C25"). This variant has not been reported in the literature in individuals with SMARCA4-related conditions. This variant is not present in population databases (ExAC no frequency). This sequence change replaces lysine with arginine at codon 1122 of the SMARCA4 protein (p.Lys1122Arg). The lysine residue is highly conserved and there is a small physicochemical difference between lysine and arginine.